The following is an entry in ClinVar:

NM_000143.4(FH):c.823G>C (p.Gly275Arg)

Gene: FH (fumarate hydratase; minus strand). Cytogenetic location: 1q43.
Variant type: single nucleotide variant.
Coding change: c.823G>C on transcript NM_000143.4 (MANE Select); coding-DNA position 823, G replaced by C.
Protein change: p.Gly275Arg; replaces glycine 275 with arginine.
Molecular consequence: missense variant.
Genome position (GRCh38, 1-based): chr1:241,506,084, C>G on the plus strand (G>C on the coding strand, the complement: FH is on the minus strand). VCF-style: chr1-241506084-C-G. GRCh37 (hg19) VCF-style: chr1-241669384-C-G.
Other names: short protein forms G275R.
Identifiers: ClinVar variation 393574 (VCV000393574.15), dbSNP rs1060499639, ClinGen allele CA16609366.

ClinVar aggregate classification (germline): Conflicting classifications of pathogenicity. Review status: criteria provided, conflicting classifications (1 of 4 stars). 4 submissions from 4 submitters: Pathogenic (2); Uncertain significance (2). Last evaluated 2025-08-18.

Conditions:
Hereditary cancer-predisposing syndrome. Also called: Neoplastic Syndromes, Hereditary; Hereditary Cancer Syndrome; Hereditary neoplastic syndrome; Tumor predisposition. Identifiers: Orphanet 140162, MedGen C0027672, MeSH D009386, MONDO:0015356.
Hereditary leiomyomatosis and renal cell cancer. Also called: LEIOMYOMA, MULTIPLE CUTANEOUS; MULTIPLE CUTANEOUS AND UTERINE LEIOMYOMATA 1, WITH OR WITHOUT RENAL CELL CARCINOMA; Reed syndrome; Multiple cutaneous and uterine leiomyomatosis; Cutaneous leiomyomata with uterine leiomyomata; Leiomyoma, hereditary multiple, of skin. Identifiers: Orphanet 523, MedGen C1708350, MONDO:0007888, OMIM 150800, HP:0007437. Disease mechanism: loss of function.

Submissions (4):

Labcorp Genetics (formerly Invitae), Labcorp
Classification: Pathogenic. Last evaluated: 2025-08-18. Review status: criteria provided, single submitter. Criteria: Invitae Variant Classification Sherloc (09022015). Collection method: clinical testing. Allele origin: germline.
Comment: This sequence change replaces glycine, which is neutral and non-polar, with arginine, which is basic and polar, at codon 275 of the FH protein (p.Gly275Arg). This variant is not present in population databases (gnomAD no frequency). This missense change has been observed in individual(s) with clinical features of leiomyomatosis and renal cell cancer (external communication, internal data). ClinVar contains an entry for this variant (Variation ID: 393574). Invitae Evidence Modeling of protein sequence and biophysical properties (such as structural, functional, and spatial information, amino acid conservation, physicochemical variation, residue mobility, and thermodynamic stability) indicates that this missense variant is expected to disrupt FH protein function with a positive predictive value of 95%. This variant disrupts the p.Gly275 amino acid residue in FH. Other variant(s) that disrupt this residue have been determined to be pathogenic (PMID: 20618355). This suggests that this residue is clinically significant, and that variants that disrupt this residue are likely to be disease-causing. For these reasons, this variant has been classified as Pathogenic.

Ambry Genetics
Classification: Pathogenic for Hereditary cancer-predisposing syndrome. Last evaluated: 2024-12-31. Review status: criteria provided, single submitter. Criteria: Ambry Variant Classification Scheme 2023. Collection method: clinical testing. Allele origin: germline.
Comment: The p.G275R variant (also known as c.823G>C), located in coding exon 6 of the FH gene, results from a G to C substitution at nucleotide position 823. The glycine at codon 275 is replaced by arginine, an amino acid with dissimilar properties. Based on internal structural analysis, this variant is anticipated to result in a significant decrease in structural stability resulting in decreased function (Mechaly AE, et al. FEBS Lett. 2012 Jun; 586(11):1606-11). The mutation p.G275E affecting this amino acid was described to segregate with several individuals of a family with multiple cutaneous and uterine leiomyomas (Smit DL, et al. Clin. Genet. 2011 Jan; 79(1):49-59). This amino acid position is highly conserved in available vertebrate species. This alteration is predicted to be deleterious by in silico analysis. This variant is considered to be rare based on population cohorts in the Genome Aggregation Database (gnomAD). Based on the majority of available evidence to date, this variant is likely to be pathogenic.

GeneDx
Classification: Uncertain significance. Last evaluated: 2023-07-25. Review status: criteria provided, single submitter. Criteria: GeneDx Variant Classification Process June 2021. Collection method: clinical testing. Allele origin: germline. Affected: yes.
Comment: Not observed at significant frequency in large population cohorts (gnomAD); In silico analysis supports that this missense variant has a deleterious effect on protein structure/function; Has not been previously published as pathogenic or benign to our knowledge; This variant is associated with the following publications: (PMID: 22561013, 20618355, 37053010)

Genomic Diagnostic Laboratory, Division of Genomic Diagnostics, Children's Hospital of Philadelphia
Classification: Uncertain significance for Hereditary leiomyomatosis and renal cell cancer. Last evaluated: 2017-01-17. Review status: criteria provided, single submitter. Criteria: DGD Variant Analysis Guidelines. Collection method: clinical testing. Allele origin: germline. Affected: yes. Observed: 1 variant allele.
Comment: Clinical Testing

Literature cited by the submitters: PubMed 20618355 (cited by Labcorp Genetics (formerly Invitae), Labcorp and Ambry Genetics); PubMed 22561013 (cited by Ambry Genetics).